The following is an entry in ClinVar:

NM_001034850.3(RETREG1):c.250G>A (p.Asp84Asn)

Genes: RETREG1 (reticulophagy regulator 1; minus strand), RETREG1-AS1 (RETREG1 antisense RNA 1; plus strand). Cytogenetic location: 5p15.1.
Variant type: single nucleotide variant.
Coding change: c.250G>A on transcript NM_001034850.3 (MANE Select); coding-DNA position 250, G replaced by A.
Protein change: p.Asp84Asn; replaces aspartic acid 84 with asparagine.
Molecular consequence: missense variant.
Genome position (GRCh38, 1-based): chr5:16,616,722, C>T on the plus strand (G>A on the coding strand, the complement: RETREG1 is on the minus strand). VCF-style: chr5-16616722-C-T. GRCh37 (hg19) VCF-style: chr5-16616831-C-T.
Other names: short protein forms D84N.
Identifiers: ClinVar variation 1957992 (VCV001957992.6), dbSNP rs1424356638, ClinGen allele CA359292707.

ClinVar aggregate classification (germline): Uncertain significance. Review status: criteria provided, multiple submitters, no conflicts (2 of 4 stars). 2 submissions from 2 submitters: Uncertain significance (2). Last evaluated 2022-10-05.

Conditions:
Inborn genetic diseases. Identifiers: MedGen C0950123, MeSH D030342.

Allele frequency attached by ClinVar (database versions not stated): gnomAD 0.00001; gnomAD exomes 0.00001; TOPMed 0.00001.
gnomAD v4.1: 11 of 1,584,984 alleles (0.00069%); highest among the groups gnomAD compares: Non-Finnish European, 0.00068%; no homozygotes.

Submissions (2):

Ambry Genetics
Classification: Uncertain significance for Inborn genetic diseases. Last evaluated: 2022-10-05. Review status: criteria provided, single submitter. Criteria: Ambry Variant Classification Scheme 2023. Collection method: clinical testing. Allele origin: germline.

Labcorp Genetics (formerly Invitae), Labcorp
Classification: Uncertain significance. Last evaluated: 2022-03-31. Review status: criteria provided, single submitter. Criteria: Invitae Variant Classification Sherloc (09022015). Collection method: clinical testing. Allele origin: germline.
Comment: In summary, the available evidence is currently insufficient to determine the role of this variant in disease. Therefore, it has been classified as a Variant of Uncertain Significance. Algorithms developed to predict the effect of missense changes on protein structure and function (SIFT, PolyPhen-2, Align-GVGD) all suggest that this variant is likely to be tolerated. This variant has not been reported in the literature in individuals affected with RETREG1-related conditions. This variant is not present in population databases (gnomAD no frequency). This sequence change replaces aspartic acid, which is acidic and polar, with asparagine, which is neutral and polar, at codon 84 of the RETREG1 protein (p.Asp84Asn).